The following is an entry in ClinVar:

NM_205861.3(DHDDS):c.167A>G (p.Asn56Ser)

Gene: DHDDS (dehydrodolichyl diphosphate synthase subunit; plus strand). Cytogenetic location: 1p36.11.
Variant type: single nucleotide variant.
Coding change: c.167A>G on transcript NM_205861.3 (MANE Select); coding-DNA position 167, A replaced by G.
Protein change: p.Asn56Ser; replaces asparagine 56 with serine.
Molecular consequence: missense variant. On other transcripts: 5 prime UTR variant (1).
Genome position (GRCh38, 1-based): chr1:26,438,271, A>G. VCF-style: chr1-26438271-A-G. GRCh37 (hg19) VCF-style: chr1-26764762-A-G.
Other names: c.167A>G, p.Asn56Ser (NM_001243564.2, NM_001243565.2, NM_024887.4); c.-136A>G (NM_001319959.2); short protein forms N56S.
Identifiers: ClinVar variation 2105423 (VCV002105423.4), dbSNP rs768368890, ClinGen allele CA705250.

ClinVar aggregate classification (germline): Uncertain significance (1 of 4 stars; one submission).

Conditions:
Retinitis pigmentosa 59 (RP59). Identifiers: Orphanet 791, MedGen C3151227, MONDO:0013468, OMIM 613861.

Allele frequency attached by ClinVar (database versions not stated): ExAC 0.00001.

Submission:

Labcorp Genetics (formerly Invitae), Labcorp
Classification: Uncertain significance for Retinitis pigmentosa 59. Last evaluated: 2022-08-09. Review status: criteria provided, single submitter. Criteria: Invitae Variant Classification Sherloc (09022015). Collection method: clinical testing. Allele origin: germline.
Comment: In summary, the available evidence is currently insufficient to determine the role of this variant in disease. Therefore, it has been classified as a Variant of Uncertain Significance. Algorithms developed to predict the effect of missense changes on protein structure and function (SIFT, PolyPhen-2, Align-GVGD) all suggest that this variant is likely to be tolerated. This variant has not been reported in the literature in individuals affected with DHDDS-related conditions. This variant is present in population databases (rs768368890, gnomAD 0.006%). This sequence change replaces asparagine, which is neutral and polar, with serine, which is neutral and polar, at codon 56 of the DHDDS protein (p.Asn56Ser).